The following is an entry in ClinVar:

NM_000397.4(CYBB):c.99T>A (p.Tyr33Ter)

Gene: CYBB (cytochrome b-245 beta chain; plus strand). Cytogenetic location: Xp21.1.
Variant type: single nucleotide variant.
Coding change: c.99T>A on transcript NM_000397.4 (MANE Select); coding-DNA position 99, T replaced by A.
Protein change: p.Tyr33Ter; replaces tyrosine 33 with a stop codon.
Molecular consequence: nonsense.
Genome position (GRCh38, 1-based): chrX:37,782,141, T>A. VCF-style: chrX-37782141-T-A. GRCh37 (hg19) VCF-style: chrX-37641394-T-A.
Other names: short protein forms Y33*.
Identifiers: ClinVar variation 4710712 (VCV004710712.1).

ClinVar aggregate classification (germline): Pathogenic (1 of 4 stars; one submission).

Conditions:
Granulomatous disease, chronic, X-linked. Also called: GRANULOMATOUS DISEASE, CHRONIC, X-LINKED, SOMATIC MOSAIC; CYTOCHROME b-NEGATIVE GRANULOMATOUS DISEASE, CHRONIC, X-LINKED. Identifiers: Orphanet 379, MedGen C1844376, MONDO:0010600, OMIM 306400.

Submission:

Labcorp Genetics (formerly Invitae), Labcorp
Classification: Pathogenic for Granulomatous disease, chronic, X-linked. Last evaluated: 2025-12-15. Review status: criteria provided, single submitter. Criteria: Invitae Variant Classification Sherloc (09022015). Collection method: clinical testing. Allele origin: germline.
Comment: This sequence change creates a premature translational stop signal (p.Tyr33*) in the CYBB gene. It is expected to result in an absent or disrupted protein product. Loss-of-function variants in CYBB are known to be pathogenic (PMID: 9585602, 20729109). This variant is not present in population databases (gnomAD no frequency). This premature translational stop signal has been observed in individual(s) with chronic granulomatous disease (PMID: 8634410). Algorithms developed to predict the effect of sequence changes on RNA splicing suggest that this variant may disrupt the consensus splice site. For these reasons, this variant has been classified as Pathogenic.

Literature cited by the submitters: PubMed 9585602; PubMed 20729109; PubMed 8634410.